The following is an entry in ClinVar:

NM_001378457.1(DMXL2):c.2912T>A (p.Ile971Asn)

Gene: DMXL2 (Dmx like 2; minus strand). Cytogenetic location: 15q21.2.
Variant type: single nucleotide variant.
Coding change: c.2912T>A on transcript NM_001378457.1 (MANE Select); coding-DNA position 2912, T replaced by A.
Protein change: p.Ile971Asn; replaces isoleucine 971 with asparagine.
Molecular consequence: missense variant. On other transcripts: non-coding transcript variant (2), intron variant (2).
Genome position (GRCh38, 1-based): chr15:51,502,886, A>T on the plus strand (T>A on the coding strand, the complement: DMXL2 is on the minus strand). VCF-style: chr15-51502886-A-T. GRCh37 (hg19) VCF-style: chr15-51795083-A-T.
Other names: c.2912T>A, p.Ile971Asn (NM_001174116.3, NM_001378458.1, NM_001378459.1 and 4 more transcripts); c.2672T>A, p.Ile891Asn (NM_001378464.1); c.2764+4248T>A (NM_001378460.1, NM_001174117.3); short protein forms I971N, I891N.
Identifiers: ClinVar variation 2010925 (VCV002010925.4), dbSNP rs929185965, ClinGen allele CA392438336.

ClinVar aggregate classification (germline): Uncertain significance (1 of 4 stars; one submission).

Submission:

Labcorp Genetics (formerly Invitae), Labcorp
Classification: Uncertain significance. Last evaluated: 2022-06-26. Review status: criteria provided, single submitter. Criteria: Invitae Variant Classification Sherloc (09022015). Collection method: clinical testing. Allele origin: germline.
Comment: In summary, the available evidence is currently insufficient to determine the role of this variant in disease. Therefore, it has been classified as a Variant of Uncertain Significance. Algorithms developed to predict the effect of missense changes on protein structure and function are either unavailable or do not agree on the potential impact of this missense change (SIFT: "Tolerated"; PolyPhen-2: "Probably Damaging"; Align-GVGD: "Class C0"). This variant has not been reported in the literature in individuals affected with DMXL2-related conditions. This variant is not present in population databases (gnomAD no frequency). This sequence change replaces isoleucine, which is neutral and non-polar, with asparagine, which is neutral and polar, at codon 971 of the DMXL2 protein (p.Ile971Asn).